The following is an entry in ClinVar:

NM_017757.3(ZNF407):c.2336G>A (p.Cys779Tyr)

Gene: ZNF407 (zinc finger protein 407; plus strand). Cytogenetic location: 18q22.3.
Variant type: single nucleotide variant.
Coding change: c.2336G>A on transcript NM_017757.3 (MANE Select); coding-DNA position 2336, G replaced by A.
Protein change: p.Cys779Tyr; replaces cysteine 779 with tyrosine.
Molecular consequence: missense variant.
Genome position (GRCh38, 1-based): chr18:74,633,355, G>A. VCF-style: chr18-74633355-G-A. GRCh37 (hg19) VCF-style: chr18-72345311-G-A.
Other names: c.2336G>A, p.Cys779Tyr (NM_001146189.1, NM_001146190.1, NM_001384475.1); short protein forms C779Y.
Identifiers: ClinVar variation 3986901 (VCV003986901.2).

ClinVar aggregate classification (germline): Uncertain significance. Review status: criteria provided, multiple submitters, no conflicts (2 of 4 stars). 2 submissions from 2 submitters: Uncertain significance (2). Last evaluated 2025-03-27.

gnomAD v4.1: 22 of 1,613,942 alleles (0.0014%); highest among the groups gnomAD compares: African/African-American, 0.019%; no homozygotes.

Submissions (2):

Ambry Genetics
Classification: Uncertain significance. Last evaluated: 2025-03-27. Review status: criteria provided, single submitter. Criteria: Ambry Variant Classification Scheme 2023. Collection method: clinical testing. Allele origin: germline.

GeneDx
Classification: Uncertain significance. Last evaluated: 2025-02-14. Review status: criteria provided, single submitter. Criteria: GeneDx Variant Classification Process June 2021. Collection method: clinical testing. Allele origin: germline. Affected: yes.
Comment: In silico analysis supports that this missense variant has a deleterious effect on protein structure/function; Has not been previously published as pathogenic or benign to our knowledge